The following is an entry in ClinVar:

ClinVar aggregate classification (germline): Pathogenic. Review status: criteria provided, multiple submitters, no conflicts (2 of 4 stars). 2 submissions from 2 submitters: Pathogenic (2). Last evaluated 2023-11-10.

Conditions:
Familial adenomatous polyposis 1 (FAP1). Also called: POLYPOSIS, ADENOMATOUS INTESTINAL; FAMILIAL ADENOMATOUS POLYPOSIS 1, ATTENUATED. Identifiers: MedGen C2713442, MONDO:0021056, OMIM 175100. Disease mechanism: loss of function.

Submissions (2):

Labcorp Genetics (formerly Invitae), Labcorp
Classification: Pathogenic for Familial adenomatous polyposis 1. Last evaluated: 2023-11-10. Review status: criteria provided, single submitter. Criteria: Invitae Variant Classification Sherloc (09022015). Collection method: clinical testing. Allele origin: germline.
Comment: This sequence change creates a premature translational stop signal (p.Gly253Valfs*40) in the APC gene. It is expected to result in an absent or disrupted protein product. Loss-of-function variants in APC are known to be pathogenic (PMID: 17963004, 20685668). Information on the frequency of this variant in the gnomAD database is not available, as this variant may be reported differently in the database. This premature translational stop signal has been observed in individual(s) with familial adenomatous polyposis (PMID: 23159591). For these reasons, this variant has been classified as Pathogenic.

Myriad Genetics, Inc.
Classification: Pathogenic for Familial adenomatous polyposis 1. Last evaluated: 2023-04-27. Review status: criteria provided, single submitter. Criteria: Myriad Autosomal Dominant, Autosomal Recessive and X-Linked Classification Criteria (2023). Collection method: clinical testing. Allele origin: unknown.
Comment: This variant is considered pathogenic. This variant creates a frameshift predicted to result in premature protein truncation.

Literature cited by the submitters: PubMed 17963004 (cited by Labcorp Genetics (formerly Invitae), Labcorp); PubMed 20685668 (cited by Labcorp Genetics (formerly Invitae), Labcorp); PubMed 23159591 (cited by Labcorp Genetics (formerly Invitae), Labcorp).

NM_000038.6(APC):c.758_759delinsT (p.Gly253fs)

Gene: APC (APC regulator of Wnt signaling pathway; plus strand). Cytogenetic location: 5q22.2.
Variant type: Indel.
Coding change: c.758_759delinsT on transcript NM_000038.6 (MANE Select); coding-DNA positions 758 to 759, GC replaced by T.
Protein change: p.Gly253fs; shifts the reading frame from glycine 253.
Molecular consequence: frameshift variant. On other transcripts: 5 prime UTR variant (4), non-coding transcript variant (2).
Genome position (GRCh38, 1-based): chr5:112,801,307-112,801,308, GC replaced by T. VCF-style: chr5-112801307-GC-T. GRCh37 (hg19) VCF-style: chr5-112137004-GC-T.
Other names: c.758_759delinsT, p.Gly253fs (NM_001127510.3, NM_001354895.2, NM_001354896.2 and 12 more transcripts); c.704_705delinsT, p.Gly235fs (NM_001127511.3); c.788_789delinsT, p.Gly263fs (NM_001354897.2, NM_001354902.2, NM_001407446.1); c.683_684delinsT, p.Gly228fs (NM_001354898.2, NM_001354904.2, NM_001407451.1); c.674_675delinsT, p.Gly225fs (NM_001354899.2, NM_001407452.1, NM_001407467.1 and 1 more transcripts); c.581_582delinsT, p.Gly194fs (NM_001354900.2, NM_001354901.2, NM_001354905.2 and 1 more transcripts); c.-278_-277delinsT (NM_001354906.2, NM_001407470.1, NM_001407471.1 and 1 more transcripts); short protein forms G194fs, G225fs, G228fs, G235fs, G253fs, G263fs.
Identifiers: ClinVar variation 2583493 (VCV002583493.4), dbSNP rs2532751390, ClinGen allele CA2582341401.